The following is an entry in ClinVar:

ClinVar aggregate classification (germline): Likely benign. Review status: criteria provided, multiple submitters, no conflicts (2 of 4 stars). 2 submissions from 2 submitters: Likely benign (2). Last evaluated 2025-03-25.

Conditions:
Neuromuscular disease caused by qualitative or quantitative defects of dysferlin. Also called: Dysferlinopathy; Qualitative or quantitative defects of dysferlin. Identifiers: Orphanet 207073, MedGen C2931687, MONDO:0016145.

Allele frequency attached by ClinVar (database versions not stated): gnomAD exomes below 0.00001; ExAC 0.00001; TOPMed 0.00001.
gnomAD v4.1: 2 of 1,614,186 alleles (0.00012%); highest among the groups gnomAD compares: Non-Finnish European, 0.000085%; no homozygotes.

Submissions (2):

Labcorp Genetics (formerly Invitae), Labcorp
Classification: Likely benign for Neuromuscular disease caused by qualitative or quantitative defects of dysferlin. Last evaluated: 2025-03-25. Review status: criteria provided, single submitter. Criteria: Invitae Variant Classification Sherloc (09022015). Collection method: clinical testing. Allele origin: germline.

GeneDx
Classification: Likely benign. Last evaluated: 2016-08-31. Review status: criteria provided, single submitter. Criteria: GeneDx Variant Classification (06012015). Collection method: clinical testing. Allele origin: germline. Affected: yes.
Comment: This variant is considered likely benign or benign based on one or more of the following criteria: it is a conservative change, it occurs at a poorly conserved position in the protein, it is predicted to be benign by multiple in silico algorithms, and/or has population frequency not consistent with disease.

NM_001130987.2(DYSF):c.4650T>C (p.Asn1550=)

Gene: DYSF (dysferlin; plus strand). Cytogenetic location: 2p13.2.
Variant type: single nucleotide variant.
Coding change: c.4650T>C on transcript NM_001130987.2 (MANE Select); coding-DNA position 4650, T replaced by C.
Protein change: p.Asn1550=; no amino-acid change (asparagine 1550 retained).
Molecular consequence: synonymous variant.
Genome position (GRCh38, 1-based): chr2:71,656,185, T>C. VCF-style: chr2-71656185-T-C. GRCh37 (hg19) VCF-style: chr2-71883315-T-C.
Other names: c.4536T>C, p.Asn1512= (NM_001130455.2); c.4491T>C, p.Asn1497= (NM_001130976.2); c.4554T>C, p.Asn1518= (NM_001130977.2); c.4596T>C, p.Asn1532= (NM_001130978.2); c.4626T>C, p.Asn1542= (NM_001130979.2); c.4584T>C, p.Asn1528= (NM_001130980.2); c.4647T>C, p.Asn1549= (NM_001130981.2); c.4629T>C, p.Asn1543= (NM_001130982.2); and 5 more.
Identifiers: ClinVar variation 388827 (VCV000388827.8), dbSNP rs756403845, ClinGen allele CA1707100.